The following is an entry in ClinVar:

NM_021625.5(TRPV4):c.593C>G (p.Ala198Gly)

Gene: TRPV4 (transient receptor potential cation channel subfamily V member 4; minus strand). Cytogenetic location: 12q24.11.
Variant type: single nucleotide variant.
Coding change: c.593C>G on transcript NM_021625.5 (MANE Select); coding-DNA position 593, C replaced by G.
Protein change: p.Ala198Gly; replaces alanine 198 with glycine.
Molecular consequence: missense variant.
Genome position (GRCh38, 1-based): chr12:109,803,110, G>C on the plus strand (C>G on the coding strand, the complement: TRPV4 is on the minus strand). VCF-style: chr12-109803110-G-C. GRCh37 (hg19) VCF-style: chr12-110240915-G-C.
Other names: c.593C>G, p.Ala198Gly (NM_001177428.2, NM_001177433.2, NM_147204.3); c.491C>G, p.Ala164Gly (NM_001177431.2); short protein forms A198G, A164G.
Identifiers: ClinVar variation 220469 (VCV000220469.17), dbSNP rs775317084, ClinGen allele CA349300.

ClinVar aggregate classification (germline): Uncertain significance. Review status: criteria provided, multiple submitters, no conflicts (2 of 4 stars). 4 submissions from 4 submitters: Uncertain significance (4). Last evaluated 2026-02-01.

Conditions:
Inborn genetic diseases. Identifiers: MedGen C0950123, MeSH D030342.
Charcot-Marie-Tooth disease axonal type 2C (HMSN2C). Also called: CHARCOT-MARIE-TOOTH DISEASE, AXONAL, AUTOSOMAL DOMINANT, TYPE 2C; Charcot-Marie-Tooth Neuropathy Type 2C; Charcot-Marie-Tooth Disease Type 2, TRPV4-Related (CMT2C). Identifiers: Orphanet 99937, MedGen C1853710, MONDO:0011633, OMIM 606071.

Allele frequency attached by ClinVar (database versions not stated): gnomAD exomes 0.00001 and 0.00002; ExAC 0.00002; TOPMed below 0.00001; gnomAD 0.00001.
gnomAD v4.1: 30 of 1,614,016 alleles (0.0019%); highest among the groups gnomAD compares: Non-Finnish European, 0.0023%; no homozygotes.

Submissions (4):

CeGaT Center for Human Genetics Tuebingen
Classification: Uncertain significance. Last evaluated: 2026-02-01. Review status: criteria provided, single submitter. Criteria: CeGaT Center For Human Genetics Tuebingen Variant Classification Criteria Version 2. Collection method: clinical testing. Allele origin: germline. Affected: yes. Observed: 1 variant allele.

Labcorp Genetics (formerly Invitae), Labcorp
Classification: Uncertain significance for Charcot-Marie-Tooth disease axonal type 2C. Last evaluated: 2025-10-07. Review status: criteria provided, single submitter. Criteria: Invitae Variant Classification Sherloc (09022015). Collection method: clinical testing. Allele origin: germline.
Comment: This sequence change replaces alanine, which is neutral and non-polar, with glycine, which is neutral and non-polar, at codon 198 of the TRPV4 protein (p.Ala198Gly). This variant is present in population databases (rs775317084, gnomAD 0.0009%). This missense change has been observed in individual(s) with clinical features of spondylometaphyseal dysplasia (internal data). ClinVar contains an entry for this variant (Variation ID: 220469). Invitae Evidence Modeling of protein sequence and biophysical properties (such as structural, functional, and spatial information, amino acid conservation, physicochemical variation, residue mobility, and thermodynamic stability) has been performed for this missense variant. However, the output from this modeling did not meet the statistical confidence thresholds required to predict the impact of this variant on TRPV4 protein function. In summary, the available evidence is currently insufficient to determine the role of this variant in disease. Therefore, it has been classified as a Variant of Uncertain Significance.

GeneDx
Classification: Uncertain significance. Last evaluated: 2023-03-24. Review status: criteria provided, single submitter. Criteria: GeneDx Variant Classification Process June 2021. Collection method: clinical testing. Allele origin: germline. Affected: yes.
Comment: Not observed at significant frequency in large population cohorts (gnomAD); In silico analysis supports that this missense variant has a deleterious effect on protein structure/function; Has not been previously published as pathogenic or benign to our knowledge

Ambry Genetics
Classification: Uncertain significance for Inborn genetic diseases. Last evaluated: 2020-03-24. Review status: criteria provided, single submitter. Criteria: Ambry Variant Classification Scheme 2023. Collection method: clinical testing. Allele origin: germline.
Comment: The p.A198G variant (also known as c.593C>G), located in coding exon 3 of the TRPV4 gene, results from a C to G substitution at nucleotide position 593. The alanine at codon 198 is replaced by glycine, an amino acid with similar properties. This amino acid position is highly conserved in available vertebrate species. In addition, this alteration is predicted to be deleterious by in silico analysis. Since supporting evidence is limited at this time, the clinical significance of this alteration remains unclear.